The following is an entry in ClinVar:

ClinVar aggregate classification (germline): Likely pathogenic (1 of 4 stars; one submission).

Conditions:
Congenital microvillous atrophy (DIAR2). Also called: CONGENITAL FAMILIAL PROTRACTED DIARRHEA WITH ENTEROCYTE BRUSH-BORDER ABNORMALITIES; DAVIDSON DISEASE; MICROVILLUS ATROPHY, CONGENITAL; Microvillus inclusion disease; Diarrhea 2 with microvillus atrophy, with or without cholestasis. Identifiers: Orphanet 2290, MedGen C0341306, MONDO:0009635, OMIM 251850.

gnomAD v4.1: 7 of 1,614,002 alleles (0.00043%); highest among the groups gnomAD compares: Non-Finnish European, 0.00059%; no homozygotes.

Submission:

Aleixo Muise Laboratory, Hospital For Sick Children
Classification: Likely pathogenic for Congenital microvillous atrophy. Last evaluated: 2024-07-05. Review status: criteria provided, single submitter. Criteria: ACMG Guidelines, 2015. Collection method: research. Allele origin: inherited. Affected: yes. Observed: 1 variant allele.
Comment: PM2;PM3;PM5;PP3;PP4

NM_001080467.3(MYO5B):c.1613T>C (p.Phe538Ser)

Gene: MYO5B (myosin VB; minus strand). Cytogenetic location: 18q21.1.
Variant type: single nucleotide variant.
Coding change: c.1613T>C on transcript NM_001080467.3 (MANE Select); coding-DNA position 1613, T replaced by C.
Protein change: p.Phe538Ser; replaces phenylalanine 538 with serine.
Molecular consequence: missense variant.
Genome position (GRCh38, 1-based): chr18:49,954,368, A>G on the plus strand (T>C on the coding strand, the complement: MYO5B is on the minus strand). VCF-style: chr18-49954368-A-G. GRCh37 (hg19) VCF-style: chr18-47480738-A-G.
Other names: short protein forms F538S.
Identifiers: ClinVar variation 3255325 (VCV003255325.1).